The following is an entry in ClinVar:

ClinVar aggregate classification (germline): Pathogenic (1 of 4 stars; one submission).

Conditions:
Microphthalmia, isolated, with coloboma 3 (MCOPCB3). Also called: MICROPHTHALMIA/COLOBOMA 3; MICROPHTHALMIA, COLOBOMATOUS, 3. Identifiers: Orphanet 98938, MedGen C1864721, MONDO:0012408, OMIM 610092.

Submission:

Myriad Genetics, Inc.
Classification: Pathogenic for Microphthalmia, isolated, with coloboma 3. Last evaluated: 2023-09-27. Review status: criteria provided, single submitter. Criteria: Myriad Autosomal Dominant, Autosomal Recessive and X-Linked Classification Criteria (2023). Collection method: clinical testing. Allele origin: unknown.
Comment: NM_182894.2(VSX2):c.174dupC(G59Rfs*68) is expected to be pathogenic in the context of microphthalmia, anophthalmia, and coloboma, VSX2-related. This variant is predicted to lead to an abnormal or absent protein product due to the creation of a premature termination codon in VSX2, a gene where loss-of-function variants are known to be pathogenic. Please note: this variant was assessed in the context of healthy population screening.

NM_182894.3(VSX2):c.174dup (p.Gly59fs)

Gene: VSX2 (visual system homeobox 2; plus strand). Cytogenetic location: 14q24.3.
Variant type: Duplication.
Coding change: c.174dup on transcript NM_182894.3 (MANE Select); coding-DNA position 174, one base duplicated (C; older notation c.174dupC).
Protein change: p.Gly59fs; shifts the reading frame from glycine 59.
Molecular consequence: frameshift variant.
Genome position (GRCh38, 1-based): chr14:74,239,735, C duplicated; the last of 5 consecutive C bases (chr14:74,239,731-74,239,735); duplicating any one gives the same sequence. VCF-style (leftmost placement, unchanged base first): chr14-74239730-G-GC. GRCh37 (hg19) VCF-style: chr14-74706433-G-GC.
Other names: short protein forms G59fs.
Identifiers: ClinVar variation 5012206 (VCV005012206.1).